The following is an entry in ClinVar:

NM_007118.4(TRIO):c.7185del (p.Gly2396fs)

Gene: TRIO (trio Rho guanine nucleotide exchange factor; plus strand). Cytogenetic location: 5p15.2.
Variant type: Deletion.
Coding change: c.7185del on transcript NM_007118.4 (MANE Select); coding-DNA position 7185, one base deleted (C; older notation c.7185delC).
Protein change: p.Gly2396fs; shifts the reading frame from glycine 2396.
Molecular consequence: frameshift variant.
Genome position (GRCh38, 1-based): chr5:14,487,813, C deleted; the last of 6 consecutive C bases (chr5:14,487,808-14,487,813); deleting any one gives the same sequence. VCF-style (leftmost placement, unchanged base first): chr5-14487807-GC-G. GRCh37 (hg19) VCF-style: chr5-14487916-GC-G.
Other names: short protein forms G2396fs.
Identifiers: ClinVar variation 4865930 (VCV004865930.1).

ClinVar aggregate classification (germline): Pathogenic (1 of 4 stars; one submission).

Conditions:
Inborn genetic diseases. Identifiers: MedGen C0950123, MeSH D030342.

Submission:

Ambry Genetics
Classification: Pathogenic for Inborn genetic diseases. Last evaluated: 2026-05-22. Review status: criteria provided, single submitter. Criteria: Ambry Variant Classification Scheme 2023. Collection method: clinical testing. Allele origin: germline.
Comment: The c.7185delC (p.G2396Afs*17) alteration, located in exon 48 (coding exon 48) of the TRIO gene, consists of a deletion of one nucleotide at position 7185, causing a translational frameshift with a predicted alternate stop codon after 17 amino acids. This variant is expected to result in loss of function by premature protein truncation or nonsense-mediated mRNA decay. for TRIO-related neurodevelopmental disorder with microcephaly; however, it is unlikely to be causative of TRIO-related neurodevelopmental disorder with macrocephaly The Genome Aggregation Database (gnomAD) data for this variant is unreliable due to technical and/or biological issues; therefore, population frequency estimates were not considered. Based on the available evidence, this alteration is classified as pathogenic.